The following is an entry in ClinVar:

NM_000057.4(BLM):c.46C>G (p.His16Asp)

Gene: BLM (BLM RecQ like helicase; plus strand). Cytogenetic location: 15q26.1.
Variant type: single nucleotide variant.
Coding change: c.46C>G on transcript NM_000057.4 (MANE Select); coding-DNA position 46, C replaced by G.
Protein change: p.His16Asp; replaces histidine 16 with aspartic acid.
Molecular consequence: missense variant. On other transcripts: 5 prime UTR variant (1).
Genome position (GRCh38, 1-based): chr15:90,747,438, C>G. VCF-style: chr15-90747438-C-G. GRCh37 (hg19) VCF-style: chr15-91290668-C-G.
Other names: c.46C>G, p.His16Asp (NM_001287246.2, NM_001287247.2); c.-1246C>G (NM_001287248.2); short protein forms H16D.
Identifiers: ClinVar variation 961491 (VCV000961491.10), dbSNP rs1895533888, ClinGen allele CA393838887.

ClinVar aggregate classification (germline): Uncertain significance (1 of 4 stars; one submission).

Conditions:
Bloom syndrome (BLM). Also called: Bloom-Torre-Machacek syndrome. Identifiers: Orphanet 125, MedGen C0005859, MONDO:0008876, OMIM 210900.

Submission:

Labcorp Genetics (formerly Invitae), Labcorp
Classification: Uncertain significance for Bloom syndrome. Last evaluated: 2021-06-23. Review status: criteria provided, single submitter. Criteria: Invitae Variant Classification Sherloc (09022015). Collection method: clinical testing. Allele origin: germline.
Comment: In summary, the available evidence is currently insufficient to determine the role of this variant in disease. Therefore, it has been classified as a Variant of Uncertain Significance. Algorithms developed to predict the effect of missense changes on protein structure and function are either unavailable or do not agree on the potential impact of this missense change (SIFT: "Tolerated"; PolyPhen-2: "Probably Damaging"; Align-GVGD: "Class C0"). This variant has not been reported in the literature in individuals with BLM-related conditions. This variant is not present in population databases (ExAC no frequency). This sequence change replaces histidine with aspartic acid at codon 16 of the BLM protein (p.His16Asp). The histidine residue is weakly conserved and there is a moderate physicochemical difference between histidine and aspartic acid.